The following is an entry in ClinVar:

NM_001372044.2(SHANK3):c.4895G>A (p.Gly1632Asp)

Gene: SHANK3 (SH3 and multiple ankyrin repeat domains 3; plus strand). Cytogenetic location: 22q13.33.
Variant type: single nucleotide variant.
Coding change: c.4895G>A on transcript NM_001372044.2 (MANE Select); coding-DNA position 4895, G replaced by A.
Protein change: p.Gly1632Asp; replaces glycine 1632 with aspartic acid.
Molecular consequence: missense variant.
Genome position (GRCh38, 1-based): chr22:50,730,786, G>A. VCF-style: chr22-50730786-G-A. GRCh37 (hg19) VCF-style: chr22-51169214-G-A.
Other names: c.4670G>A (NM_033517.1); short protein forms G1632D.
Identifiers: ClinVar variation 3343048 (VCV003343048.1).

ClinVar aggregate classification (germline): Uncertain significance (1 of 4 stars; one submission).

Submission:

GeneDx
Classification: Uncertain significance. Last evaluated: 2023-04-11. Review status: criteria provided, single submitter. Criteria: GeneDx Variant Classification Process June 2021. Collection method: clinical testing. Allele origin: germline. Affected: yes.
Comment: Not observed at significant frequency in large population cohorts (gnomAD); In silico analysis supports that this missense variant does not alter protein structure/function; Has not been previously published as pathogenic or benign to our knowledge